The following is an entry in ClinVar:

ClinVar aggregate classification (germline): Likely benign. Review status: criteria provided, multiple submitters, no conflicts (2 of 4 stars). 4 submissions from 4 submitters: Likely benign (4). Last evaluated 2025-12-01.

Conditions:
Cardiac arrhythmia. Also called: Arrhythmia; Cardiac rhythm disease. Identifiers: MedGen C0003811, MONDO:0007263, HP:0011675.
Long QT syndrome (LQTS). Identifiers: MedGen C0023976, MeSH D008133, MONDO:0002442. Disease mechanism: loss of function. Inheritance: Various modes of inheritance.
Cardiovascular phenotype. Identifiers: MedGen CN230736.

Allele frequency attached by ClinVar (database versions not stated): gnomAD exomes below 0.00001; gnomAD 0.00001; TOPMed 0.00001.
gnomAD v4.1: 2 of 1,613,708 alleles (0.00012%); highest among the groups gnomAD compares: Non-Finnish European, 0.00017%; no homozygotes.

Submissions (4):

CeGaT Center for Human Genetics Tuebingen
Classification: Likely benign. Last evaluated: 2025-12-01. Review status: criteria provided, single submitter. Criteria: CeGaT Center For Human Genetics Tuebingen Variant Classification Criteria Version 2. Collection method: clinical testing. Allele origin: germline. Affected: yes. Observed: 1 variant allele.
Comment: KCNQ1: BP4, BP7

Labcorp Genetics (formerly Invitae), Labcorp
Classification: Likely benign for Long QT syndrome. Last evaluated: 2025-10-09. Review status: criteria provided, single submitter. Criteria: Invitae Variant Classification Sherloc (09022015). Collection method: clinical testing. Allele origin: germline.

Color Diagnostics, LLC DBA Color Health
Classification: Likely benign for Cardiac arrhythmia. Last evaluated: 2022-11-06. Review status: criteria provided, single submitter. Criteria: ACMG Guidelines, 2015. Collection method: clinical testing. Allele origin: germline.

Ambry Genetics
Classification: Likely benign for Cardiovascular phenotype. Last evaluated: 2022-10-07. Review status: criteria provided, single submitter. Criteria: Ambry Variant Classification Scheme 2023. Collection method: clinical testing. Allele origin: germline.

NM_000218.3(KCNQ1):c.870G>A (p.Glu290=)

Gene: KCNQ1 (potassium voltage-gated channel subfamily Q member 1; plus strand). Cytogenetic location: 11p15.5.
Variant type: single nucleotide variant.
Coding change: c.870G>A on transcript NM_000218.3 (MANE Select); coding-DNA position 870, G replaced by A.
Protein change: p.Glu290=; no amino-acid change (glutamic acid 290 retained).
Molecular consequence: synonymous variant. On other transcripts: intron variant (1).
Genome position (GRCh38, 1-based): chr11:2,572,935, G>A. VCF-style: chr11-2572935-G-A. GRCh37 (hg19) VCF-style: chr11-2594165-G-A.
Other names: c.870G>A, p.Glu290= (NM_001406836.1); c.600G>A, p.Glu200= (NM_001406837.1); c.489G>A, p.Glu163= (NM_181798.2); c.478-10500G>A (NM_001406838.1).
Identifiers: ClinVar variation 456872 (VCV000456872.17), dbSNP rs1438599984, ClinGen allele CA472038180.